The following is an entry in ClinVar:

ClinVar aggregate classification (germline): Uncertain significance (1 of 4 stars; one submission).

Conditions:
STT3A-related disorder. Also called: STT3A-related condition.

Submission:

PreventionGenetics, part of Exact Sciences
Classification: Uncertain significance for STT3A-related condition. Last evaluated: 2024-10-12. Review status: criteria provided, single submitter. Criteria: ACMG Guidelines, 2015. Collection method: clinical testing. Allele origin: germline.
Comment: The STT3A c.5C>T variant is predicted to result in the amino acid substitution p.Thr2Ile. To our knowledge, this variant has not been reported in the literature or in a large population database (gnomAD), indicating this variant is rare. At this time, the clinical significance of this variant is uncertain due to the absence of conclusive functional and genetic evidence.

NM_152713.5(STT3A):c.5C>T (p.Thr2Ile)

Gene: STT3A (STT3 oligosaccharyltransferase complex catalytic subunit A; plus strand). Cytogenetic location: 11q24.2.
Variant type: single nucleotide variant.
Coding change: c.5C>T on transcript NM_152713.5 (MANE Select); coding-DNA position 5, C replaced by T.
Protein change: p.Thr2Ile; replaces threonine 2 with isoleucine.
Molecular consequence: missense variant. On other transcripts: intron variant (1).
Genome position (GRCh38, 1-based): chr11:125,595,920, C>T. VCF-style: chr11-125595920-C-T. GRCh37 (hg19) VCF-style: chr11-125465815-C-T.
Other names: c.5C>T, p.Thr2Ile (NM_001278503.2); c.-188-1139C>T (NM_001278504.2); short protein forms T2I.
Identifiers: ClinVar variation 5001003 (VCV005001003.1).